The following is an entry in ClinVar:

ClinVar aggregate classification (germline): Uncertain significance. Review status: criteria provided, multiple submitters, no conflicts (2 of 4 stars). 2 submissions from 2 submitters: Uncertain significance (2). Last evaluated 2020-01-24.

Conditions:
Inborn genetic diseases. Identifiers: MedGen C0950123, MeSH D030342.

Submissions (2):

Ambry Genetics
Classification: Uncertain significance for Inborn genetic diseases. Last evaluated: 2020-01-24. Review status: criteria provided, single submitter. Criteria: Ambry Variant Classification Scheme 2023. Collection method: clinical testing. Allele origin: germline.
Comment: The p.T217A variant (also known as c.649A>G), located in coding exon 4 of the GATM gene, results from an A to G substitution at nucleotide position 649. The threonine at codon 217 is replaced by alanine, an amino acid with similar properties. This amino acid position is highly conserved in available vertebrate species. In addition, this alteration is predicted to be tolerated by in silico analysis. Since supporting evidence is limited at this time, the clinical significance of this alteration remains unclear.

GeneDx
Classification: Uncertain significance. Last evaluated: 2017-01-19. Review status: criteria provided, single submitter. Criteria: GeneDx Variant Classification (06012015). Collection method: clinical testing. Allele origin: germline. Affected: yes.
Comment: A variant of uncertain significance has been identified in the GATM gene. The T217A variant has not been published as a pathogenic variant, nor has it been reported as a benign variant to our knowledge. The T217A variant is not observed in large population cohorts (Lek et al., 2016; 1000 Genomes Consortium et al., 2015; Exome Variant Server). The T217A variant is a non-conservative amino acid substitution, which is likely to impact secondary protein structure as these residues differ in polarity, charge, size and/or other properties. This substitution occurs at a position that is conserved across species. In silico analysis is inconsistent in its predictions as to whether or not the variant is damaging to the protein structure/function. Based on the currently available information, it is unclear whether this variant is a pathogenic variant or a rare benign variant.

NM_001482.3(GATM):c.649A>G (p.Thr217Ala)

Gene: GATM (glycine amidinotransferase; minus strand). Cytogenetic location: 15q21.1.
Variant type: single nucleotide variant.
Coding change: c.649A>G on transcript NM_001482.3 (MANE Select); coding-DNA position 649, A replaced by G.
Protein change: p.Thr217Ala; replaces threonine 217 with alanine.
Molecular consequence: missense variant.
Genome position (GRCh38, 1-based): chr15:45,368,096, T>C on the plus strand (A>G on the coding strand, the complement: GATM is on the minus strand). VCF-style: chr15-45368096-T-C. GRCh37 (hg19) VCF-style: chr15-45660294-T-C.
Other names: c.262A>G, p.Thr88Ala (NM_001321015.2); short protein forms T217A, T88A.
Identifiers: ClinVar variation 392885 (VCV000392885.4), dbSNP rs1057524679, ClinGen allele CA16607079.